The following is an entry in ClinVar:

NM_001365951.3(KIF1B):c.4922C>T (p.Ser1641Phe)

Gene: KIF1B (kinesin family member 1B; plus strand). Cytogenetic location: 1p36.22.
Variant type: single nucleotide variant.
Coding change: c.4922C>T on transcript NM_001365951.3 (MANE Select); coding-DNA position 4922, C replaced by T.
Protein change: p.Ser1641Phe; replaces serine 1641 with phenylalanine.
Molecular consequence: missense variant.
Genome position (GRCh38, 1-based): chr1:10,371,238, C>T. VCF-style: chr1-10371238-C-T. GRCh37 (hg19) VCF-style: chr1-10431296-C-T.
Other names: p.Ser1641Phe; c.4922C>T, p.Ser1641Phe (NM_001365952.1); c.4784C>T, p.Ser1595Phe (NM_015074.3); short protein forms S1595F, S1641F.
Identifiers: ClinVar variation 1342175 (VCV001342175.6), dbSNP rs748589511, ClinGen allele CA582219.
Genomic context (GRCh38, chr1:10,371,238, plus strand): 5'-AGTCCAGTTTCAGCAGTGCCACCCTCACTCCCTCCTCCACCTGTCCCTCTCTGGTAGACT[C>T]TAGGAGCAACTCTCTGGATCAGAAGTAAGTACCCAGATTTCACTGAGAGAAGTCAATCTA-3'
Protein context (NP_001352880.1, residues 1631-1651): PSSTCPSLVD[Ser1641Phe]RSNSLDQKTP

ClinVar aggregate classification (germline): Uncertain significance. Review status: criteria provided, multiple submitters, no conflicts (2 of 4 stars). 2 submissions from 2 submitters: Uncertain significance (2). Last evaluated 2023-01-27.

Conditions:
Charcot-Marie-Tooth disease type 2A1. Also called: CHARCOT-MARIE-TOOTH DISEASE, AXONAL, TYPE 2A1; CHARCOT-MARIE-TOOTH DISEASE, AXONAL, AUTOSOMAL DOMINANT, TYPE 2A1; CHARCOT-MARIE-TOOTH DISEASE, NEURONAL, TYPE 2A1; CHARCOT-MARIE-TOOTH NEUROPATHY, TYPE 2A1; HEREDITARY MOTOR AND SENSORY NEUROPATHY IIA1. Identifiers: Orphanet 99946, MedGen C1861678, MONDO:0007308, OMIM 118210.

Allele frequency attached by ClinVar (database versions not stated): gnomAD 0.00001; gnomAD exomes 0.00001; ExAC 0.00002.
gnomAD v4.1: 4 of 1,613,994 alleles (0.00025%); highest among the groups gnomAD compares: South Asian, 0.0044%; no homozygotes.

Submissions (2):

Ambry Genetics
Classification: Uncertain significance. Last evaluated: 2023-01-27. Review status: criteria provided, single submitter. Criteria: Ambry Variant Classification Scheme 2023. Collection method: clinical testing. Allele origin: germline.
Comment: The p.S1595F variant (also known as c.4784C>T), located in coding exon 42 of the KIF1B gene, results from a C to T substitution at nucleotide position 4784. The serine at codon 1595 is replaced by phenylalanine, an amino acid with highly dissimilar properties. This amino acid position is poorly conserved in available vertebrate species. In addition, this alteration is predicted to be tolerated by in silico analysis. The evidence for this gene-disease relationship is limited; therefore, the clinical significance of this alteration is unclear.

Foundation for Research in Genetics and Endocrinology, FRIGE's Institute of Human Genetics
Classification: Uncertain significance for Charcot-Marie-Tooth disease type 2A1. Last evaluated: 2021-09-04. Review status: criteria provided, single submitter. Criteria: ACMG Guidelines, 2015. Collection method: clinical testing. Allele origin: germline. Inheritance: Autosomal dominant inheritance. Affected: yes. Observed: 1 heterozygote.
Comment: A heterozygous missense variation in exon 44 of the KIF1B gene that results in the amino acid substitution of Phenylalanine for Serine at codon 1641 was detected. The observed variant c.4922C>T (p.Ser1641Phe) has not been reported in the 1000 genomes and has a minor allele frequency of 0.0006% in the gnomAD. The in silico prediction of the variant are possibly damaging by PolyPhen-2 (HumDiv) and damaging by SIFT and MutationTaster2. The reference codon is conserved across species. In summary, the variant meets our criteria to be classified as a variant of uncertain significance.